The following is an entry in ClinVar:

ClinVar aggregate classification (germline): Uncertain significance (1 of 4 stars; one submission).

Conditions:
Primary ciliary dyskinesia. Also called: Ciliary dyskinesia. Identifiers: Orphanet 244, MedGen C0008780, MONDO:0016575, HP:0012265.

Submission:

Labcorp Genetics (formerly Invitae), Labcorp
Classification: Uncertain significance for Primary ciliary dyskinesia. Last evaluated: 2021-05-20. Review status: criteria provided, single submitter. Criteria: Invitae Variant Classification Sherloc (09022015). Collection method: clinical testing. Allele origin: germline.
Comment: This sequence change replaces asparagine with tyrosine at codon 1499 of the DNAH11 protein (p.Asn1499Tyr). The asparagine residue is highly conserved and there is a large physicochemical difference between asparagine and tyrosine. This variant is not present in population databases (ExAC no frequency). This variant has not been reported in the literature in individuals with DNAH11-related conditions. Advanced modeling of protein sequence and biophysical properties (such as structural, functional, and spatial information, amino acid conservation, physicochemical variation, residue mobility, and thermodynamic stability) performed at Invitae indicates that this missense variant is not expected to disrupt DNAH11 protein function. In summary, the available evidence is currently insufficient to determine the role of this variant in disease. Therefore, it has been classified as a Variant of Uncertain Significance.

NM_001277115.2(DNAH11):c.4495A>T (p.Asn1499Tyr)

Gene: DNAH11 (dynein axonemal heavy chain 11; plus strand). Cytogenetic location: 7p15.3.
Variant type: single nucleotide variant.
Coding change: c.4495A>T on transcript NM_001277115.2 (MANE Select); coding-DNA position 4495, A replaced by T.
Protein change: p.Asn1499Tyr; replaces asparagine 1499 with tyrosine.
Molecular consequence: missense variant.
Genome position (GRCh38, 1-based): chr7:21,620,073, A>T. VCF-style: chr7-21620073-A-T. GRCh37 (hg19) VCF-style: chr7-21659691-A-T.
Other names: short protein forms N1499Y.
Identifiers: ClinVar variation 1378524 (VCV001378524.8), dbSNP rs764377953, ClinGen allele CA366953208.